The following is an entry in ClinVar:

NM_000492.4(CFTR):c.2604A>G (p.Val868=)

Gene: CFTR (CF transmembrane conductance regulator; plus strand). Cytogenetic location: 7q31.2.
Variant type: single nucleotide variant.
Coding change: c.2604A>G on transcript NM_000492.4 (MANE Select); coding-DNA position 2604, A replaced by G.
Protein change: p.Val868=; no amino-acid change (valine 868 retained).
Molecular consequence: synonymous variant.
Genome position (GRCh38, 1-based): chr7:117,595,043, A>G. VCF-style: chr7-117595043-A-G. GRCh37 (hg19) VCF-style: chr7-117235097-A-G.
Identifiers: ClinVar variation 455770 (VCV000455770.28), dbSNP rs1800105, ClinGen allele CA164950062.
Genomic context (GRCh38, chr7:117,595,043, plus strand): 5'-ATACCTTCGATATATTACTGTCCACAAGAGCTTAATTTTTGTGCTAATTTGGTGCTTAGT[A>G]ATTTTTCTGGCAGAGGTAAGAATGTTCTATTGTAAAGTATTACTGGATTTAAAGTTAAAT-3'
Protein context (NP_000483.3, residues 858-878): SLIFVLIWCL[Val868=]IFLAEVAASL

ClinVar aggregate classification (germline): Benign/Likely benign. Review status: criteria provided, multiple submitters, no conflicts (2 of 4 stars). 9 submissions from 9 submitters: Benign (3); Likely benign (5). 1 of the submissions does not count toward it. Last evaluated 2025-12-10.

Conditions:
CFTR-related disorder (CFTR-RD). Also called: CFTR-related disorders; CFTR-related condition. Identifiers: MedGen C5924204, MONDO:7770004.
Cystic fibrosis (CF). Also called: MUCOVISCIDOSIS. Identifiers: Orphanet 586, MedGen C0010674, MONDO:0009061, OMIM 219700. Disease mechanism: loss of function.

Allele frequency attached by ClinVar (database versions not stated): gnomAD 0.00006; TOPMed 0.00012; gnomAD exomes below 0.00001 and 0.00001.
gnomAD v4.1: 17 of 1,612,460 alleles (0.0011%); highest among the groups gnomAD compares: Admixed American, 0.017%; no homozygotes.

Submissions (9):

Labcorp Genetics (formerly Invitae), Labcorp
Classification: Likely benign for Cystic fibrosis. Last evaluated: 2025-12-10. Review status: criteria provided, single submitter. Criteria: Invitae Variant Classification Sherloc (09022015). Collection method: clinical testing. Allele origin: germline.

PreventionGenetics, part of Exact Sciences
Classification: Likely benign for CFTR-related condition. Last evaluated: 2024-12-20. Review status: criteria provided, single submitter. Criteria: ACMG Guidelines, 2015. Collection method: clinical testing. Allele origin: germline.
Comment: This variant is classified as likely benign based on ACMG/AMP sequence variant interpretation guidelines (Richards et al. 2015 PMID: 25741868, with internal and published modifications).

Blueprint Genetics
Classification: Likely benign. Last evaluated: 2023-09-05. Review status: criteria provided, single submitter. Criteria: ACMG Guidelines, 2015. Collection method: clinical testing. Allele origin: germline.

Johns Hopkins Genomics, Johns Hopkins University
Classification: Likely benign for Cystic fibrosis. Last evaluated: 2019-10-14. Review status: criteria provided, single submitter. Criteria: ACMG Guidelines, 2015. Collection method: clinical testing. Allele origin: germline.

Quest Diagnostics Nichols Institute San Juan Capistrano
Classification: Benign. Last evaluated: 2019-04-16. Review status: criteria provided, single submitter. Criteria: Quest Diagnostics criteria. Collection method: clinical testing. Allele origin: germline.

ARUP Laboratories, Molecular Genetics and Genomics, ARUP Laboratories
Classification: Benign. Last evaluated: 2019-02-21. Review status: criteria provided, single submitter. Criteria: ARUP Molecular Germline Variant Investigation Process. Collection method: clinical testing. Allele origin: germline.

Women's Health and Genetics/Laboratory Corporation of America, LabCorp
Classification: Benign. Last evaluated: 2018-10-08. Review status: criteria provided, single submitter. Criteria: LabCorp Variant Classification Summary - May 2015. Collection method: clinical testing. Allele origin: germline.
Comment: Variant summary: CFTR c.2604A>G results in a synonymous change. 5/5 computational tools predict no significant impact on normal splicing, which is further supported with a functional study (Scott_2012). The variant allele was found at a frequency of 1.2e-05 in 246264 control chromosomes (gnomAD). The available data on variant occurrences in the general population are insufficient to allow any conclusion about variant significance. c.2604A>G has been reported in the literature in individuals affected with Cystic Fibrosis (Pignatti_1996, Claustres_2017, Bombieri_1998, Devoto_1991), in whom a pathogenic CFTR variant in cis (c.3196C>T, p.Arg1066Cys) was reported (Pignatti_1996, Claustres_2017). Furthermore, a reputable database (CFTR - France) reports the variant to co-occur with pathogenic CFTR variant in 3 individuals, along with multiple internal testing specimens in whom two other confirmed pathogenic variants in the CFTR gene were identified (c.579+1G>T;c.3196C>T [1 internal case]and c.1521_1523delCTT;c.3196C>T [2 internal cases]), further supporting a benign role. A ClinVar submission from a clinical diagnostic laboratory (evaluation after 2014) cites the variant as likely benign. Based on the evidence outlined above, the variant was classified as benign.

Ambry Genetics
Classification: Likely benign for Cystic fibrosis. Last evaluated: 2014-12-30. Review status: criteria provided, single submitter. Criteria: Ambry Variant Classification Scheme 2023. Collection method: clinical testing. Allele origin: germline.

Natera, Inc.
Classification: Likely benign for CFTR-related disorders. Last evaluated: 2018-07-16. Review status: no assertion criteria provided. Collection method: clinical testing. Allele origin: germline. Not counted in ClinVar's aggregate classification.

Literature cited by the submitters: PubMed 1709778 (cited by 3 submitters); PubMed 22591852 (cited by Quest Diagnostics Nichols Institute San Juan Capistrano and Women's Health and Genetics/Laboratory Corporation of America, LabCorp); PubMed 7543317 (cited by Women's Health and Genetics/Laboratory Corporation of America, LabCorp); PubMed 23687349 (cited by Women's Health and Genetics/Laboratory Corporation of America, LabCorp); PubMed 22137130 (cited by Women's Health and Genetics/Laboratory Corporation of America, LabCorp); PubMed 8644755 (cited by Women's Health and Genetics/Laboratory Corporation of America, LabCorp); PubMed 7536669 (cited by Women's Health and Genetics/Laboratory Corporation of America, LabCorp); PubMed 28603918 (cited by Women's Health and Genetics/Laboratory Corporation of America, LabCorp); PubMed 9921909 (cited by Women's Health and Genetics/Laboratory Corporation of America, LabCorp); PubMed 9895335 (cited by Ambry Genetics).